The following is an entry in ClinVar:

NM_004168.4(SDHA):c.204C>A (p.Gly68=)

Gene: SDHA (succinate dehydrogenase complex flavoprotein subunit A; plus strand). Cytogenetic location: 5p15.33.
Variant type: single nucleotide variant.
Coding change: c.204C>A on transcript NM_004168.4 (MANE Select); coding-DNA position 204, C replaced by A.
Protein change: p.Gly68=; no amino-acid change (glycine 68 retained).
Molecular consequence: synonymous variant.
Genome position (GRCh38, 1-based): chr5:224,413, C>A. VCF-style: chr5-224413-C-A. GRCh37 (hg19) VCF-style: chr5-224528-C-A.
Other names: c.204C>A, p.Gly68= (NM_001294332.2, NM_001330758.2).
Identifiers: ClinVar variation 2567095 (VCV002567095.3), dbSNP rs1055082816, ClinGen allele CA112814630.

ClinVar aggregate classification (germline): Benign/Likely benign. Review status: criteria provided, multiple submitters, no conflicts (2 of 4 stars). 2 submissions from 2 submitters: Benign (1); Likely benign (1). Last evaluated 2025-02-28.

Conditions:
Pheochromocytoma/paraganglioma syndrome 5. Also called: Paragangliomas 5; SDHA-Related Hereditary Paraganglioma-Pheochromocytoma Syndrome. Identifiers: Orphanet 29072, MedGen C3279992, MONDO:0013602, OMIM 614165.
Hereditary cancer-predisposing syndrome. Also called: Neoplastic Syndromes, Hereditary; Tumor predisposition; Hereditary Cancer Syndrome; Hereditary neoplastic syndrome. Identifiers: Orphanet 140162, MedGen C0027672, MeSH D009386, MONDO:0015356.

Submissions (2):

Myriad Genetics, Inc.
Classification: Benign for Pheochromocytoma/paraganglioma syndrome 5. Last evaluated: 2025-02-28. Review status: criteria provided, single submitter. Criteria: Myriad Autosomal Dominant, Autosomal Recessive and X-Linked Classification Criteria (2023). Collection method: clinical testing. Allele origin: unknown.
Comment: This variant is considered benign. This variant is a silent/synonymous amino acid change and it is not expected to impact splicing.

Ambry Genetics
Classification: Likely benign for Hereditary cancer-predisposing syndrome. Last evaluated: 2023-04-28. Review status: criteria provided, single submitter. Criteria: Ambry Variant Classification Scheme 2023. Collection method: clinical testing. Allele origin: germline.